The following is an entry in ClinVar:

NM_005515.4(MNX1):c.355C>T (p.Pro119Ser)

Gene: MNX1 (motor neuron and pancreas homeobox 1; minus strand). Cytogenetic location: 7q36.3.
Variant type: single nucleotide variant.
Coding change: c.355C>T on transcript NM_005515.4 (MANE Select); coding-DNA position 355, C replaced by T.
Protein change: p.Pro119Ser; replaces proline 119 with serine.
Molecular consequence: missense variant.
Genome position (GRCh38, 1-based): chr7:157,009,996, G>A on the plus strand (C>T on the coding strand, the complement: MNX1 is on the minus strand). VCF-style: chr7-157009996-G-A. GRCh37 (hg19) VCF-style: chr7-156802690-G-A.
Other names: short protein forms P119S.
Identifiers: ClinVar variation 1953838 (VCV001953838.5), dbSNP rs1456554355, ClinGen allele CA370164721.
Genomic context (GRCh38, chr7:157,009,996, plus strand): 5'-GCGCCAGGCCCCCAGCGGCGGCGGCGGCGGCGGCGGCGGCGGCAGCGGCCGCTGCGCCCG[G>A]ATGCGCGTGGTGGTGGGGCCCCCCGTGCCCGCCGCCCGTGCCGCCGCCGCCGCCGCCCGC-3'
Protein context (NP_005506.3, residues 109-129): GHGGPHHHAH[Pro119Ser]GAAAAAAAAA

ClinVar aggregate classification (germline): Uncertain significance (1 of 4 stars; one submission).

Allele frequency attached by ClinVar (database versions not stated): gnomAD 0.00004.

Submission:

Labcorp Genetics (formerly Invitae), Labcorp
Classification: Uncertain significance. Last evaluated: 2025-08-21. Review status: criteria provided, single submitter. Criteria: Invitae Variant Classification Sherloc (09022015). Collection method: clinical testing. Allele origin: germline.
Comment: This sequence change replaces proline, which is neutral and non-polar, with serine, which is neutral and polar, at codon 119 of the MNX1 protein (p.Pro119Ser). This variant is present in population databases (no rsID available, gnomAD 0.008%). This variant has not been reported in the literature in individuals affected with MNX1-related conditions. ClinVar contains an entry for this variant (Variation ID: 1953838). Invitae Evidence Modeling of protein sequence and biophysical properties (such as structural, functional, and spatial information, amino acid conservation, physicochemical variation, residue mobility, and thermodynamic stability) indicates that this missense variant is not expected to disrupt MNX1 protein function with a negative predictive value of 80%. In summary, the available evidence is currently insufficient to determine the role of this variant in disease. Therefore, it has been classified as a Variant of Uncertain Significance.